The following is an entry in ClinVar:

ClinVar aggregate classification (germline): Likely benign. Review status: criteria provided, multiple submitters, no conflicts (2 of 4 stars). 3 submissions from 3 submitters: Likely benign (3). Last evaluated 2026-08-05.

Conditions:
MYH14-related disorder. Also called: MYH14-related condition.

Allele frequency attached by ClinVar (database versions not stated): ExAC 0.00006; gnomAD 0.00006 and 0.00007; ESP Exome Variant Server 0.00008; TOPMed 0.00008.
gnomAD v4.1: 73 of 1,504,522 alleles (0.0049%); highest among the groups gnomAD compares: African/African-American, 0.0071%; no homozygotes.

Submissions (3):

PreventionGenetics, part of Exact Sciences
Classification: Likely benign for MYH14-related condition. Last evaluated: 2026-08-05. Review status: criteria provided, single submitter. Criteria: ACMG Guidelines, 2015. Collection method: clinical testing. Allele origin: germline.
Comment: This variant is classified as likely benign based on ACMG/AMP sequence variant interpretation guidelines (Richards et al. 2015 PMID: 25741868, with internal and published modifications).

Labcorp Genetics (formerly Invitae), Labcorp
Classification: Likely benign. Last evaluated: 2024-01-22. Review status: criteria provided, single submitter. Criteria: Invitae Variant Classification Sherloc (09022015). Collection method: clinical testing. Allele origin: germline.

Laboratory for Molecular Medicine, Mass General Brigham Personalized Medicine
Classification: Likely benign. Last evaluated: 2017-04-20. Review status: criteria provided, single submitter. Criteria: LMM Criteria. Collection method: clinical testing. Allele origin: germline. Observed: 2 variant alleles.
Comment: His1259His in Exon 29 of MYH14: This variant is not expected to have clinical si gnificance because it does not alter an amino acid residue, is not located withi n the splice consensus sequence, and has been identified in 11/124774 European c hromosomes by the Genome Aggregation Database (gnomAD; dbSNP rs371116668).

NM_001145809.2(MYH14):c.3777C>T (p.His1259=)

Gene: MYH14 (myosin heavy chain 14; plus strand). Cytogenetic location: 19q13.33.
Variant type: single nucleotide variant.
Coding change: c.3777C>T on transcript NM_001145809.2 (MANE Select); coding-DNA position 3777, C replaced by T.
Protein change: p.His1259=; no amino-acid change (histidine 1259 retained).
Molecular consequence: synonymous variant.
Genome position (GRCh38, 1-based): chr19:50,276,853, C>T. VCF-style: chr19-50276853-C-T. GRCh37 (hg19) VCF-style: chr19-50780110-C-T.
Other names: c.3678C>T, p.His1226= (NM_001077186.2); c.3654C>T, p.His1218= (NM_024729.4).
Identifiers: ClinVar variation 164186 (VCV000164186.8), dbSNP rs371116668, ClinGen allele CA176896.
Genomic context (GRCh38, chr19:50,276,853, plus strand): 5'-GACTCTGGAGGAGGAGACTCGCATCCACGAGGCGGCAGTGCAGGAGCTGAGGCAGCGCCA[C>T]GGCCAGGCCCTGGGGGAGCTGGCGGAGCAGCTGGAGCAGGCCCGGAGGGTGGGTTGGGGC-3'
Protein context (NP_001139281.1, residues 1249-1269): EAAVQELRQR[His1259=]GQALGELAEQ